The following is an entry in ClinVar:

NM_000428.3(LTBP2):c.668C>T (p.Pro223Leu)

Gene: LTBP2 (latent transforming growth factor beta binding protein 2; minus strand). Cytogenetic location: 14q24.3.
Variant type: single nucleotide variant.
Coding change: c.668C>T on transcript NM_000428.3 (MANE Select); coding-DNA position 668, C replaced by T.
Protein change: p.Pro223Leu; replaces proline 223 with leucine.
Molecular consequence: missense variant.
Genome position (GRCh38, 1-based): chr14:74,586,016, G>A on the plus strand (C>T on the coding strand, the complement: LTBP2 is on the minus strand). VCF-style: chr14-74586016-G-A. GRCh37 (hg19) VCF-style: chr14-75052719-G-A.
Other names: c.668C>T (NM_000428.2); short protein forms P223L.
Identifiers: ClinVar variation 2115188 (VCV002115188.5), dbSNP rs1348618255, ClinGen allele CA390383852.

ClinVar aggregate classification (germline): Uncertain significance. Review status: criteria provided, multiple submitters, no conflicts (2 of 4 stars). 2 submissions from 2 submitters: Uncertain significance (2). Last evaluated 2025-11-05.

Conditions:
Inborn genetic diseases. Identifiers: MedGen C0950123, MeSH D030342.

Allele frequency attached by ClinVar (database versions not stated): TOPMed 0.00001.

Submissions (2):

Ambry Genetics
Classification: Uncertain significance for Inborn genetic diseases. Last evaluated: 2025-11-05. Review status: criteria provided, single submitter. Criteria: Ambry Variant Classification Scheme 2023. Collection method: clinical testing. Allele origin: germline.

Labcorp Genetics (formerly Invitae), Labcorp
Classification: Uncertain significance. Last evaluated: 2022-03-20. Review status: criteria provided, single submitter. Criteria: Invitae Variant Classification Sherloc (09022015). Collection method: clinical testing. Allele origin: germline.
Comment: This sequence change replaces proline, which is neutral and non-polar, with leucine, which is neutral and non-polar, at codon 223 of the LTBP2 protein (p.Pro223Leu). This variant is not present in population databases (gnomAD no frequency). This variant has not been reported in the literature in individuals affected with LTBP2-related conditions. Algorithms developed to predict the effect of missense changes on protein structure and function (SIFT, PolyPhen-2, Align-GVGD) all suggest that this variant is likely to be disruptive. In summary, the available evidence is currently insufficient to determine the role of this variant in disease. Therefore, it has been classified as a Variant of Uncertain Significance.